The following is an entry in ClinVar:

NM_020778.5(ALPK3):c.725C>T (p.Pro242Leu)

Gene: ALPK3 (alpha kinase 3; plus strand). Cytogenetic location: 15q25.3.
Variant type: single nucleotide variant.
Coding change: c.725C>T on transcript NM_020778.5 (MANE Select); coding-DNA position 725, C replaced by T.
Protein change: p.Pro242Leu; replaces proline 242 with leucine.
Molecular consequence: missense variant.
Genome position (GRCh38, 1-based): chr15:84,840,004, C>T. VCF-style: chr15-84840004-C-T. GRCh37 (hg19) VCF-style: chr15-85383235-C-T.
Other names: short protein forms P242L.
Identifiers: ClinVar variation 2850874 (VCV002850874.3), dbSNP rs1963640974, ClinGen allele CA393373376.

ClinVar aggregate classification (germline): Uncertain significance (1 of 4 stars; one submission).

Allele frequency attached by ClinVar (database versions not stated): gnomAD exomes below 0.00001; TOPMed below 0.00001.

Submission:

Labcorp Genetics (formerly Invitae), Labcorp
Classification: Uncertain significance. Last evaluated: 2023-04-11. Review status: criteria provided, single submitter. Criteria: Invitae Variant Classification Sherloc (09022015). Collection method: clinical testing. Allele origin: germline.
Comment: This variant has not been reported in the literature in individuals affected with ALPK3-related conditions. This variant is not present in population databases (gnomAD no frequency). This sequence change replaces proline, which is neutral and non-polar, with leucine, which is neutral and non-polar, at codon 444 of the ALPK3 protein (p.Pro444Leu). Algorithms developed to predict the effect of missense changes on protein structure and function output the following: SIFT: "Not Available"; PolyPhen-2: "Benign"; Align-GVGD: "Not Available". The leucine amino acid residue is found in multiple mammalian species, which suggests that this missense change does not adversely affect protein function. In summary, the available evidence is currently insufficient to determine the role of this variant in disease. Therefore, it has been classified as a Variant of Uncertain Significance.